The following is an entry in ClinVar:

NM_000540.3(RYR1):c.7013C>T (p.Ala2338Val)

Gene: RYR1 (ryanodine receptor 1; plus strand). Cytogenetic location: 19q13.2.
Variant type: single nucleotide variant.
Coding change: c.7013C>T on transcript NM_000540.3 (MANE Select); coding-DNA position 7013, C replaced by T.
Protein change: p.Ala2338Val; replaces alanine 2338 with valine.
Molecular consequence: missense variant.
Genome position (GRCh38, 1-based): chr19:38,499,229, C>T. VCF-style: chr19-38499229-C-T. GRCh37 (hg19) VCF-style: chr19-38989869-C-T.
Other names: c.7013C>T, p.Ala2338Val (NM_001042723.2); short protein forms A2338V.
Identifiers: ClinVar variation 1051940 (VCV001051940.10), dbSNP rs2145598247, ClinGen allele CA405667478.

ClinVar aggregate classification (germline): Uncertain significance (1 of 4 stars; one submission).

Conditions:
RYR1-related disorder. Also called: RYR1-related condition; RYR1-related disorders. Identifiers: MedGen CN239331.

Submission:

Labcorp Genetics (formerly Invitae), Labcorp
Classification: Uncertain significance for RYR1-related disorder. Last evaluated: 2022-06-20. Review status: criteria provided, single submitter. Criteria: Invitae Variant Classification Sherloc (09022015). Collection method: clinical testing. Allele origin: germline.
Comment: ClinVar contains an entry for this variant (Variation ID: 1051940). This variant has not been reported in the literature in individuals affected with RYR1-related conditions. This variant is not present in population databases (gnomAD no frequency). This sequence change replaces alanine, which is neutral and non-polar, with valine, which is neutral and non-polar, at codon 2338 of the RYR1 protein (p.Ala2338Val). In summary, the available evidence is currently insufficient to determine the role of this variant in disease. Therefore, it has been classified as a Variant of Uncertain Significance. Advanced modeling of protein sequence and biophysical properties (such as structural, functional, and spatial information, amino acid conservation, physicochemical variation, residue mobility, and thermodynamic stability) performed at Invitae indicates that this missense variant is not expected to disrupt RYR1 protein function.